The following is an entry in ClinVar:

NM_130398.4(EXO1):c.1918C>G (p.Pro640Ala)

Gene: EXO1 (exonuclease 1; plus strand). Cytogenetic location: 1q43.
Variant type: single nucleotide variant.
Coding change: c.1918C>G on transcript NM_130398.4 (MANE Select); coding-DNA position 1918, C replaced by G.
Protein change: p.Pro640Ala; replaces proline 640 with alanine.
Molecular consequence: missense variant.
Genome position (GRCh38, 1-based): chr1:241,879,152, C>G. VCF-style: chr1-241879152-C-G. GRCh37 (hg19) VCF-style: chr1-242042454-C-G.
Other names: c.1915C>G, p.Pro639Ala (NM_001319224.2); c.1918C>G, p.Pro640Ala (NM_003686.4, NM_006027.4); short protein forms P639A, P640A.
Identifiers: ClinVar variation 3039051 (VCV003039051.3), dbSNP rs61736331, ClinGen allele CA1481470.

ClinVar aggregate classification (germline): Likely benign. Review status: criteria provided, single submitter (1 of 4 stars). 2 submissions from 2 submitters: Likely benign (1). 1 of the submissions does not count toward it. Last evaluated 2024-11-25.

Conditions:
EXO1-related disorder. Also called: EXO1-related condition.

Allele frequency attached by ClinVar (database versions not stated): 1000 Genomes Project 30x 0.00031; 1000 Genomes Project 0.00040.
gnomAD v4.1: 4,483 of 1,608,756 alleles (0.28%); highest among the groups gnomAD compares: Non-Finnish European, 0.3%; 10 homozygotes.

Submissions (2):

Blueprint Genetics
Classification: Likely benign. Last evaluated: 2024-11-25. Review status: criteria provided, single submitter. Criteria: ACMG Guidelines, 2015. Collection method: clinical testing. Allele origin: germline.

PreventionGenetics, part of Exact Sciences
Classification: Benign for EXO1-related condition. Last evaluated: 2019-05-22. Review status: no assertion criteria provided. Collection method: clinical testing. Allele origin: germline. Not counted in ClinVar's aggregate classification.
Comment: This variant is classified as benign based on ACMG/AMP sequence variant interpretation guidelines (Richards et al. 2015 PMID: 25741868, with internal and published modifications).